The following is an entry in ClinVar:

ClinVar aggregate classification (germline): Uncertain significance (1 of 4 stars; one submission).

Conditions:
Aortic aneurysm, familial thoracic 8 (AAT8). Identifiers: MedGen C3809513, MONDO:0014187, OMIM 615436.

Submission:

Labcorp Genetics (formerly Invitae), Labcorp
Classification: Uncertain significance for Aortic aneurysm, familial thoracic 8. Last evaluated: 2023-09-08. Review status: criteria provided, single submitter. Criteria: Invitae Variant Classification Sherloc (09022015). Collection method: clinical testing. Allele origin: germline.
Comment: In summary, the available evidence is currently insufficient to determine the role of this variant in disease. Therefore, it has been classified as a Variant of Uncertain Significance. An algorithm developed to predict the effect of missense changes on protein structure and function (PolyPhen-2) suggests that this variant is likely to be disruptive. This variant has not been reported in the literature in individuals affected with PRKG1-related conditions. This variant is not present in population databases (gnomAD no frequency). This sequence change replaces lysine, which is basic and polar, with glutamic acid, which is acidic and polar, at codon 580 of the PRKG1 protein (p.Lys580Glu).

NM_006258.4(PRKG1):c.1738A>G (p.Lys580Glu)

Gene: PRKG1 (protein kinase cGMP-dependent 1; plus strand). Cytogenetic location: 10q21.1.
Variant type: single nucleotide variant.
Coding change: c.1738A>G on transcript NM_006258.4 (MANE Select); coding-DNA position 1738, A replaced by G.
Protein change: p.Lys580Glu; replaces lysine 580 with glutamic acid.
Molecular consequence: missense variant.
Genome position (GRCh38, 1-based): chr10:52,288,754, A>G. VCF-style: chr10-52288754-A-G. GRCh37 (hg19) VCF-style: chr10-54048514-A-G.
Other names: c.1693A>G, p.Lys565Glu (NM_001098512.3); c.529A>G, p.Lys177Glu (NM_001374781.1); short protein forms K565E, K580E, K177E.
Identifiers: ClinVar variation 2959046 (VCV002959046.3), dbSNP rs2492884594, ClinGen allele CA376536166.
Genomic context (GRCh38, chr10:52,288,754, plus strand): 5'-AATATCTCTTGTCGTGTCTCTCATTCTTGCAGCCCACCTTTCTCAGGCCCAGATCCTATG[A>G]AAACCTATAACATCATATTGAGGGGGATTGACATGATAGAATTTCCAAAGAAGATTGCCA-3'
Protein context (NP_006249.1, residues 570-590): SPPFSGPDPM[Lys580Glu]TYNIILRGID